The following is an entry in ClinVar:

ClinVar aggregate classification (germline): Uncertain significance (1 of 4 stars; one submission).

Conditions:
Autosomal recessive spastic paraplegia type 78. Identifiers: Orphanet 513436, MedGen C5567893, MONDO:0014975, OMIM 617225.
Kufor-Rakeb syndrome (KRS). Also called: PARKINSON DISEASE 9, AUTOSOMAL RECESSIVE, JUVENILE-ONSET. Identifiers: Orphanet 306674, Orphanet 314632, MedGen C1847640, MONDO:0011706, OMIM 606693.

Submission:

Labcorp Genetics (formerly Invitae), Labcorp
Classification: Uncertain significance for Kufor-Rakeb syndrome; Autosomal recessive spastic paraplegia type 78. Last evaluated: 2021-12-13. Review status: criteria provided, single submitter. Criteria: Invitae Variant Classification Sherloc (09022015). Collection method: clinical testing. Allele origin: germline.
Comment: This sequence change replaces histidine, which is basic and polar, with proline, which is neutral and non-polar, at codon 780 of the ATP13A2 protein (p.His780Pro). The frequency data for this variant in the population databases is considered unreliable, as metrics indicate poor data quality at this position in the gnomAD database. This variant has not been reported in the literature in individuals affected with ATP13A2-related conditions. Advanced modeling of protein sequence and biophysical properties (such as structural, functional, and spatial information, amino acid conservation, physicochemical variation, residue mobility, and thermodynamic stability) performed at Invitae indicates that this missense variant is not expected to disrupt ATP13A2 protein function. In summary, the available evidence is currently insufficient to determine the role of this variant in disease. Therefore, it has been classified as a Variant of Uncertain Significance.

NM_022089.4(ATP13A2):c.2339A>C (p.His780Pro)

Gene: ATP13A2 (ATPase cation transporting 13A2; minus strand). Cytogenetic location: 1p36.13.
Variant type: single nucleotide variant.
Coding change: c.2339A>C on transcript NM_022089.4 (MANE Select); coding-DNA position 2339, A replaced by C.
Protein change: p.His780Pro; replaces histidine 780 with proline.
Molecular consequence: missense variant.
Genome position (GRCh38, 1-based): chr1:16,990,200, T>G on the plus strand (A>C on the coding strand, the complement: ATP13A2 is on the minus strand). VCF-style: chr1-16990200-T-G. GRCh37 (hg19) VCF-style: chr1-17316695-T-G.
Other names: c.2324A>C, p.His775Pro (NM_001141973.3, NM_001141974.3); short protein forms H775P, H780P.
Identifiers: ClinVar variation 1438444 (VCV001438444.7), dbSNP rs867014635, ClinGen allele CA18629480.